The following is an entry in ClinVar:

ClinVar aggregate classification (germline): Pathogenic (1 of 4 stars; one submission).

Conditions:
Primary ciliary dyskinesia. Also called: Ciliary dyskinesia. Identifiers: Orphanet 244, MedGen C0008780, MONDO:0016575, HP:0012265.

Submission:

Labcorp Genetics (formerly Invitae), Labcorp
Classification: Pathogenic for Primary ciliary dyskinesia. Last evaluated: 2022-09-01. Review status: criteria provided, single submitter. Criteria: Invitae Variant Classification Sherloc (09022015). Collection method: clinical testing. Allele origin: germline.
Comment: ClinVar contains an entry for this variant (Variation ID: 1070202). This variant has not been reported in the literature in individuals affected with DNAH8-related conditions. This variant is present in population databases (no rsID available, gnomAD 0.004%). This sequence change creates a premature translational stop signal (p.Gly4177Trpfs*26) in the DNAH8 gene. It is expected to result in an absent or disrupted protein product. Loss-of-function variants in DNAH8 are known to be pathogenic (PMID: 24307375, 32619401, 32681648). Algorithms developed to predict the effect of sequence changes on RNA splicing suggest that this variant may disrupt the consensus splice site. For these reasons, this variant has been classified as Pathogenic.

Literature cited by the submitters: PubMed 24307375; PubMed 32619401; PubMed 32681648.

NC_000006.12:g.38973662dup

Gene: DNAH8 (dynein axonemal heavy chain 8; plus strand). Cytogenetic location: 6p21.2.
Variant type: Duplication.
Genome position: GRCh38 VCF-style: chr6-38973659-A-AG. GRCh37 (hg19) VCF-style: chr6-38941435-A-AG.
Identifiers: ClinVar variation 1070202 (VCV001070202.7), dbSNP rs1299196993, ClinGen allele CA566579378.
Genomic context (GRCh38, chr6:38,973,659, plus strand): 5'-TTTTATTAAAATCATAGCAAAAAGGTTACAAGAAATAAATATGAACTTATTTTTGGATAC[A>AG]GGGTGGTTGGGTATTACTACAAAATTGCCACCTTGGCCTGGAATTCATGGAAGAATTACT-3'